The following is an entry in ClinVar:

ClinVar aggregate classification (germline): Uncertain significance (0 of 4 stars; one submission).

Conditions:
MED12L-related disorder. Also called: MED12L-related condition.

Submission:

PreventionGenetics, part of Exact Sciences
Classification: Uncertain significance for MED12L-related condition. Last evaluated: 2024-09-25. Review status: no assertion criteria provided. Collection method: clinical testing. Allele origin: germline.
Comment: The MED12L c.991_1005dup15 variant is predicted to result in an in-frame duplication (p.Ala331_Gly335dup). To our knowledge, this variant has not been reported in the literature or in a large population database, indicating this variant is rare. At this time, the clinical significance of this variant is uncertain due to the absence of conclusive functional and genetic evidence.

NM_001393769.1(MED12L):c.991_1005dup (p.Gly335_Pro336insAlaProSerProGly)

Gene: MED12L (mediator complex subunit 12L; plus strand). Cytogenetic location: 3q25.1.
Variant type: Duplication.
Coding change: c.991_1005dup on transcript NM_001393769.1 (MANE Select); coding-DNA positions 991 to 1005, 15 bases duplicated (GCCCCCAGCCCTGGC).
Protein change: p.Gly335_Pro336insAlaProSerProGly.
Molecular consequence: inframe insertion.
Genome position (GRCh38, 1-based): chr3:151,159,985-151,159,999, GCCCCCAGCCCTGGC duplicated. VCF-style (leftmost placement, unchanged base first): chr3-151159984-G-GGCCCCCAGCCCTGGC. GRCh37 (hg19) VCF-style: chr3-150877771-G-GGCCCCCAGCCCTGGC.
Other names: c.991_1005dup, p.Gly335_Pro336insAlaProSerProGly (NM_053002.6).
Identifiers: ClinVar variation 3356805 (VCV003356805.1).